The following is an entry in ClinVar:

ClinVar aggregate classification (germline): Uncertain significance (1 of 4 stars; one submission).

Conditions:
Multiple endocrine neoplasia type 4. Also called: MULTIPLE ENDOCRINE NEOPLASIA, TYPE IV. Identifiers: Orphanet 276152, MedGen C1970712, MONDO:0012552, OMIM 610755.

Submission:

Labcorp Genetics (formerly Invitae), Labcorp
Classification: Uncertain significance for Multiple endocrine neoplasia type 4. Last evaluated: 2024-08-11. Review status: criteria provided, single submitter. Criteria: Invitae Variant Classification Sherloc (09022015). Collection method: clinical testing. Allele origin: germline.
Comment: This sequence change replaces leucine, which is neutral and non-polar, with valine, which is neutral and non-polar, at codon 193 of the CDKN1B protein (p.Leu193Val). This variant is not present in population databases (gnomAD no frequency). This variant has not been reported in the literature in individuals affected with CDKN1B-related conditions. An algorithm developed to predict the effect of missense changes on protein structure and function (PolyPhen-2) suggests that this variant is likely to be tolerated. In summary, the available evidence is currently insufficient to determine the role of this variant in disease. Therefore, it has been classified as a Variant of Uncertain Significance.

NM_004064.5(CDKN1B):c.577C>G (p.Leu193Val)

Gene: CDKN1B (cyclin dependent kinase inhibitor 1B; plus strand). Cytogenetic location: 12p13.1.
Variant type: single nucleotide variant.
Coding change: c.577C>G on transcript NM_004064.5 (MANE Select); coding-DNA position 577, C replaced by G.
Protein change: p.Leu193Val; replaces leucine 193 with valine.
Molecular consequence: missense variant.
Genome position (GRCh38, 1-based): chr12:12,718,926, C>G. VCF-style: chr12-12718926-C-G. GRCh37 (hg19) VCF-style: chr12-12871860-C-G.
Other names: short protein forms L193V.
Identifiers: ClinVar variation 3662045 (VCV003662045.2).